The following is an entry in ClinVar:

NM_017635.5(KMT5B):c.431_432del (p.Arg143_Phe144insTer)

Gene: KMT5B (lysine methyltransferase 5B; minus strand). Cytogenetic location: 11q13.2.
Variant type: Deletion.
Coding change: c.431_432del on transcript NM_017635.5 (MANE Select); coding-DNA positions 431 to 432, 2 bases deleted (TT; older notation c.431_432delTT).
Protein change: p.Arg143_Phe144insTer.
Molecular consequence: nonsense. On other transcripts: 5 prime UTR variant (9), non-coding transcript variant (3).
Genome position (GRCh38, 1-based): chr11:68,175,129-68,175,130, AA deleted on the plus strand (TT on the coding strand, the reverse complement: KMT5B is on the minus strand); deleting any 2 consecutive bases within chr11:68,175,129-68,175,132 gives the same sequence; the c. name uses the placement nearest the transcript's 3' end. VCF-style (leftmost placement, unchanged base first): chr11-68175128-TAA-T. GRCh37 (hg19) VCF-style: chr11-67942595-TAA-T.
Other names: c.-86_-85del (NM_001300907.1, NM_001369424.1, NM_001369428.1 and 5 more transcripts); c.-237_-236del (NM_001300908.2); c.362_363del, p.Arg120_Phe121insTer (NM_001300909.2); c.431_432del, p.Arg143_Phe144insTer (NM_001363566.2, NM_001369426.1, NM_001369427.1 and 1 more transcripts); c.218_219del, p.Arg72_Phe73insTer (NM_001369425.1).
Identifiers: ClinVar variation 984918 (VCV000984918.1), dbSNP rs1856229182, ClinGen allele CA1139662059.

ClinVar aggregate classification (germline): Likely pathogenic (1 of 4 stars; one submission).

Conditions:
Intellectual developmental disorder, autosomal dominant 51. Also called: MENTAL RETARDATION, AUTOSOMAL DOMINANT 51; Intellectual disability, autosomal dominant 51. Identifiers: Orphanet 684226, MedGen C4540474, MONDO:0030917, OMIM 617788.

Submission:

Rady Children's Institute for Genomic Medicine, Rady Children's Hospital San Diego
Classification: Likely pathogenic for MENTAL RETARDATION, AUTOSOMAL DOMINANT 51. Last evaluated: 2019-12-19. Review status: criteria provided, single submitter. Criteria: ACMG Guidelines, 2015. Collection method: clinical testing. Allele origin: germline. Affected: yes.
Comment: This frameshifting variant in exon 5 of 11 introduces a premature stop codon and is therefore predicted to result in loss of normal protein function. This variant has not been previously reported or functionally characterized in the literature to our knowledge. It is absent from the ExAC and gnomAD population databases and thus is presumed to be rare. The c.431_432del (p.Phe144Ter) variant affects a highly conserved amino acid and is predicted by multiple in silico tools to have a deleterious effect on protein function. Analysis of the parental samples was negative for the variant, indicating this variant likely occurred as a de novo event. Based on the available evidence, the c.431_432del (p.Phe144Ter) variant is classified as Likely Pathogenic.